The following is an entry in ClinVar:

NM_001368882.1(COL13A1):c.1143+5G>T

Gene: COL13A1 (collagen type XIII alpha 1 chain; plus strand). Cytogenetic location: 10q22.1.
Variant type: single nucleotide variant.
Coding change: c.1143+5G>T on transcript NM_001368882.1 (MANE Select); 5 bases into the intron after coding-DNA position 1143, G replaced by T.
Molecular consequence: intron variant.
Genome position (GRCh38, 1-based): chr10:69,921,940, G>T. VCF-style: chr10-69921940-G-T. GRCh37 (hg19) VCF-style: chr10-71681696-G-T.
Other names: c.1080+5G>T (NM_001320951.2, NM_001368884.1); c.1110+5G>T (NM_001130103.2); c.1044+5G>T (NM_080801.4, NM_080802.4, NM_001368885.1); c.1053+5G>T (NM_080800.4, NM_001368895.1); c.480+5G>T (NM_001368886.1); c.1107+5G>T (NM_001368883.1); c.957+5G>T (NM_080805.4); c.966+5G>T (NM_001368897.1); and 1 more.
Identifiers: ClinVar variation 1351973 (VCV001351973.5), dbSNP rs756012935, ClinGen allele CA5534607.

ClinVar aggregate classification (germline): Uncertain significance. Review status: criteria provided, multiple submitters, no conflicts (2 of 4 stars). 2 submissions from 2 submitters: Uncertain significance (2). Last evaluated 2025-04-14.

Allele frequency attached by ClinVar (database versions not stated): TOPMed 0.00002; gnomAD exomes 0.00003 and below 0.00001; gnomAD 0.00001.
gnomAD v4.1: 37 of 1,602,196 alleles (0.0023%); highest among the groups gnomAD compares: Non-Finnish European, 0.0031%; no homozygotes.

Submissions (2):

Mayo Clinic Laboratories, Mayo Clinic
Classification: Uncertain significance. Last evaluated: 2025-04-14. Review status: criteria provided, single submitter. Criteria: ACMG Guidelines, 2015. Collection method: clinical testing. Allele origin: germline. Observed: 1 variant allele.
Comment: PP3, PM2_supporting

Labcorp Genetics (formerly Invitae), Labcorp
Classification: Uncertain significance. Last evaluated: 2022-11-17. Review status: criteria provided, single submitter. Criteria: Invitae Variant Classification Sherloc (09022015). Collection method: clinical testing. Allele origin: germline.
Comment: In summary, the available evidence is currently insufficient to determine the role of this variant in disease. Therefore, it has been classified as a Variant of Uncertain Significance. Variants that disrupt the consensus splice site are a relatively common cause of aberrant splicing (PMID: 17576681, 9536098). Algorithms developed to predict the effect of sequence changes on RNA splicing suggest that this variant may disrupt the consensus splice site. ClinVar contains an entry for this variant (Variation ID: 1351973). This variant has not been reported in the literature in individuals affected with COL13A1-related conditions. This variant is not present in population databases (gnomAD no frequency). This sequence change falls in intron 21 of the COL13A1 gene. It does not directly change the encoded amino acid sequence of the COL13A1 protein. It affects a nucleotide within the consensus splice site.

Literature cited by the submitters: PubMed 17576681 (cited by Labcorp Genetics (formerly Invitae), Labcorp); PubMed 9536098 (cited by Labcorp Genetics (formerly Invitae), Labcorp).